The following is an entry in ClinVar:

ClinVar aggregate classification (germline): Likely benign. Review status: criteria provided, multiple submitters, no conflicts (2 of 4 stars). 2 submissions from 2 submitters: Likely benign (2). Last evaluated 2024-10-08.

Conditions:
Spinocerebellar ataxia type 35. Identifiers: Orphanet 276193, MedGen C3888031, MONDO:0013485, OMIM 613908.

Allele frequency attached by ClinVar (database versions not stated): gnomAD below 0.00001 and 0.00002; TOPMed 0.00001; gnomAD exomes 0.00004 and 0.00006; ExAC 0.00011.
gnomAD v4.1: 58 of 1,614,104 alleles (0.0036%); highest among the groups gnomAD compares: South Asian, 0.052%; no homozygotes.

Submissions (2):

Blueprint Genetics
Classification: Likely benign. Last evaluated: 2024-10-08. Review status: criteria provided, single submitter. Criteria: ACMG Guidelines, 2015. Collection method: clinical testing. Allele origin: germline.

Illumina Laboratory Services, Illumina
Classification: Likely benign for Spinocerebellar ataxia type 35. Last evaluated: 2018-01-12. Review status: criteria provided, single submitter. Criteria: ICSL Variant Classification Criteria 13 December 2019. Collection method: clinical testing. Allele origin: germline.
Comment: This variant was observed in the ICSL laboratory as part of a predisposition screen in an ostensibly healthy population. It had not been previously curated by ICSL or reported in the Human Gene Mutation Database (HGMD: prior to June 1st, 2018), and was therefore a candidate for classification through an automated scoring system. Utilizing variant allele frequency, disease prevalence and penetrance estimates, and inheritance mode, an automated score was calculated to assess if this variant is too frequent to cause the disease. Based on the score and internal cut-off values, a variant classified as likely benign is not then subjected to further curation. The score for this variant resulted in a classification of likely benign for this disease.

NM_198994.3(TGM6):c.303C>T (p.Leu101=)

Gene: TGM6 (transglutaminase 6; plus strand). Cytogenetic location: 20p13.
Variant type: single nucleotide variant.
Coding change: c.303C>T on transcript NM_198994.3 (MANE Select); coding-DNA position 303, C replaced by T.
Protein change: p.Leu101=; no amino-acid change (leucine 101 retained).
Molecular consequence: synonymous variant.
Genome position (GRCh38, 1-based): chr20:2,395,315, C>T. VCF-style: chr20-2395315-C-T. GRCh37 (hg19) VCF-style: chr20-2375961-C-T.
Other names: c.303C>T, p.Leu101= (NM_001254734.2).
Identifiers: ClinVar variation 337904 (VCV000337904.6), dbSNP rs757250219, ClinGen allele CA9731609.